The following is an entry in ClinVar:

NM_015909.4(NBAS):c.6071T>C (p.Val2024Ala)

Gene: NBAS (NBAS subunit of NRZ tethering complex; minus strand). Cytogenetic location: 2p24.3.
Variant type: single nucleotide variant.
Coding change: c.6071T>C on transcript NM_015909.4 (MANE Select); coding-DNA position 6071, T replaced by C.
Protein change: p.Val2024Ala; replaces valine 2024 with alanine.
Molecular consequence: missense variant. On other transcripts: non-coding transcript variant (1).
Genome position (GRCh38, 1-based): chr2:15,234,620, A>G on the plus strand (T>C on the coding strand, the complement: NBAS is on the minus strand). VCF-style: chr2-15234620-A-G. GRCh37 (hg19) VCF-style: chr2-15374744-A-G.
Other names: short protein forms V2024A.
Identifiers: ClinVar variation 1356841 (VCV001356841.6), dbSNP rs762515966, ClinGen allele CA1535123.

ClinVar aggregate classification (germline): Uncertain significance. Review status: criteria provided, single submitter (1 of 4 stars). 2 submissions from 2 submitters: Uncertain significance (1). 1 of the submissions does not count toward it. Last evaluated 2021-09-24.

Conditions:
Retinal dystrophy. Also called: Inherited retinal dystrophy. Identifiers: Orphanet 71862, MedGen C0854723, MeSH D058499, MONDO:0019118, HP:0000556.

Allele frequency attached by ClinVar (database versions not stated): gnomAD exomes 0.00001 and 0.00002; TOPMed 0.00001; ExAC 0.00002.
gnomAD v4.1: 14 of 1,614,142 alleles (0.00087%); highest among the groups gnomAD compares: East Asian, 0.018%; no homozygotes.

Submissions (2):

Labcorp Genetics (formerly Invitae), Labcorp
Classification: Uncertain significance. Last evaluated: 2021-09-24. Review status: criteria provided, single submitter. Criteria: Invitae Variant Classification Sherloc (09022015). Collection method: clinical testing. Allele origin: germline.
Comment: This sequence change replaces valine with alanine at codon 2024 of the NBAS protein (p.Val2024Ala). The valine residue is highly conserved and there is a small physicochemical difference between valine and alanine. This variant is present in population databases (rs762515966, ExAC 0.02%). This variant has not been reported in the literature in individuals with NBAS-related conditions. Algorithms developed to predict the effect of missense changes on protein structure and function (SIFT, PolyPhen-2, Align-GVGD) all suggest that this variant is likely to be disruptive, but these predictions have not been confirmed by published functional studies and their clinical significance is uncertain. In summary, the available evidence is currently insufficient to determine the role of this variant in disease. Therefore, it has been classified as a Variant of Uncertain Significance.

Institute of Human Genetics, Univ. Regensburg, Univ. Regensburg
Classification: Uncertain significance for Retinal dystrophy. Last evaluated: 2023-01-01. Review status: no assertion criteria provided. Criteria: ACMG Guidelines, 2015. Collection method: clinical testing. Allele origin: germline. Affected: yes. Not counted in ClinVar's aggregate classification.